The following is an entry in ClinVar:

ClinVar aggregate classification (germline): Uncertain significance. Review status: criteria provided, multiple submitters, no conflicts (2 of 4 stars). 3 submissions from 3 submitters: Uncertain significance (3). Last evaluated 2024-02-21.

Conditions:
Fanconi renotubular syndrome 5. Also called: FANCONI RENOTUBULAR SYNDROME, ACADIAN VARIANT. Identifiers: MedGen C5394473, MONDO:0030056, OMIM 618913.
Mitochondrial complex I deficiency, nuclear type 17. Also called: Mitochondrial complex 1 deficiency, nuclear type 17. Identifiers: MedGen C4748786, MONDO:0032622, OMIM 618239.
Inborn genetic diseases. Identifiers: MedGen C0950123, MeSH D030342.

Allele frequency attached by ClinVar (database versions not stated): gnomAD exomes 0.00001; gnomAD 0.00007; TOPMed 0.00008.
gnomAD v4.1: 20 of 1,480,464 alleles (0.0014%); highest among the groups gnomAD compares: African/African-American, 0.028%; no homozygotes.

Submissions (3):

Ambry Genetics
Classification: Uncertain significance for Inborn genetic diseases. Last evaluated: 2024-02-21. Review status: criteria provided, single submitter. Criteria: Ambry Variant Classification Scheme 2023. Collection method: clinical testing. Allele origin: germline.

Labcorp Genetics (formerly Invitae), Labcorp
Classification: Uncertain significance. Last evaluated: 2022-03-12. Review status: criteria provided, single submitter. Criteria: Invitae Variant Classification Sherloc (09022015). Collection method: clinical testing. Allele origin: germline.
Comment: This variant has not been reported in the literature in individuals affected with NDUFAF6-related conditions. In summary, the available evidence is currently insufficient to determine the role of this variant in disease. Therefore, it has been classified as a Variant of Uncertain Significance. Algorithms developed to predict the effect of missense changes on protein structure and function (SIFT, PolyPhen-2, Align-GVGD) all suggest that this variant is likely to be tolerated. This variant is present in population databases (no rsID available, gnomAD 0.03%). This sequence change replaces glycine, which is neutral and non-polar, with arginine, which is basic and polar, at codon 28 of the NDUFAF6 protein (p.Gly28Arg).

Department of Pathology and Laboratory Medicine, Sinai Health System
Classification: Uncertain significance for Mitochondrial complex I deficiency, nuclear type 17; Fanconi renotubular syndrome 5. Last evaluated: 2021-07-30. Review status: criteria provided, single submitter. Criteria: ACMG Guidelines, 2015. Collection method: research. Allele origin: germline.

NM_152416.4(NDUFAF6):c.82G>C (p.Gly28Arg)

Genes: NDUFAF6 (NADH:ubiquinone oxidoreductase complex assembly factor 6; plus strand), LOC113788297 (Sharpr-MPRA regulatory region 2014; plus strand). Cytogenetic location: 8q22.1.
Variant type: single nucleotide variant.
Coding change: c.82G>C on transcript NM_152416.4 (MANE Select); coding-DNA position 82, G replaced by C.
Protein change: p.Gly28Arg; replaces glycine 28 with arginine.
Molecular consequence: missense variant. On other transcripts: 5 prime UTR variant (12), non-coding transcript variant (6), intron variant (7).
Genome position (GRCh38, 1-based): chr8:95,025,090, G>C. VCF-style: chr8-95025090-G-C. GRCh37 (hg19) VCF-style: chr8-96037318-G-C.
Other names: c.-199G>C (NM_001330582.2, NM_001354521.2); c.-152G>C (NM_001354517.2); c.-371G>C (NM_001354518.2); c.-367G>C (NM_001354519.2); c.-716G>C (NM_001354527.2); c.-687G>C (NM_001354528.2); c.-499G>C (NM_001354529.2); c.-601G>C (NM_001354530.2); and 9 more; short protein forms G28R.
Identifiers: ClinVar variation 1988700 (VCV001988700.6), dbSNP rs943706263, ClinGen allele CA181467163.
Genomic context (GRCh38, chr8:95,025,090, plus strand): 5'-TCTGTCTGGGGGCCGTTGCGGCTTGGCATCCCCGGCCTGTGCTGCCGCCGGCCGCCTCTG[G>C]GTCTGTACGCGCGCATGCGGCGGCTGCCCGGGCCGGAGGTGTCTGGGCGGAGCGTGGCTG-3'
Protein context (NP_689629.2, residues 18-38): PGLCCRRPPL[Gly28Arg]LYARMRRLPG